The following is an entry in ClinVar:

NM_004991.4(MECOM):c.2486A>T (p.Tyr829Phe)

Gene: MECOM (MDS1 and EVI1 complex locus; minus strand). Cytogenetic location: 3q26.2.
Variant type: single nucleotide variant.
Coding change: c.2486A>T on transcript NM_004991.4 (MANE Select); coding-DNA position 2486, A replaced by T.
Protein change: p.Tyr829Phe; replaces tyrosine 829 with phenylalanine.
Molecular consequence: missense variant.
Genome position (GRCh38, 1-based): chr3:169,115,386, T>A on the plus strand (A>T on the coding strand, the complement: MECOM is on the minus strand). VCF-style: chr3-169115386-T-A. GRCh37 (hg19) VCF-style: chr3-168833174-T-A.
Other names: c.2117A>T, p.Tyr706Phe (NM_001105077.4); c.1922A>T, p.Tyr641Phe (NM_001105078.4, NM_001164000.2, NM_001205194.2 and 4 more transcripts); c.1925A>T, p.Tyr642Phe (NM_001163999.2, NM_001366467.2, NM_001366468.2 and 1 more transcripts); c.2486A>T, p.Tyr829Phe (NM_001366466.2); c.1514A>T, p.Tyr505Phe (NM_001366473.2); c.950A>T, p.Tyr317Phe (NM_001366474.2); short protein forms Y317F, Y829F, Y505F, Y706F, Y641F, Y642F.
Identifiers: ClinVar variation 3293937 (VCV003293937.2).

ClinVar aggregate classification (germline): Uncertain significance (1 of 4 stars; one submission).

Conditions:
Inborn genetic diseases. Identifiers: MedGen C0950123, MeSH D030342.

Submission:

Ambry Genetics
Classification: Uncertain significance for Inborn genetic diseases. Last evaluated: 2025-02-27. Review status: criteria provided, single submitter. Criteria: Ambry Variant Classification Scheme 2023. Collection method: clinical testing. Allele origin: germline.
Comment: The p.Y829F variant (also known as c.2486A>T), located in coding exon 8 of the MECOM gene, results from an A to T substitution at nucleotide position 2486. The tyrosine at codon 829 is replaced by phenylalanine, an amino acid with highly similar properties. This amino acid position is conserved. In addition, this alteration is predicted to be tolerated by in silico analysis. Based on the available evidence, the clinical significance of this variant remains unclear.